The following is an entry in ClinVar:

ClinVar aggregate classification (germline): Uncertain significance (1 of 4 stars; one submission).

Conditions:
Hereditary breast ovarian cancer syndrome. Also called: Hereditary breast and ovarian cancer syndrome (HBOC); Hereditary breast and/or ovarian cancer syndrome; Hereditary breast and ovarian cancer syndrome; Breast and ovarian cancer; Hereditary breast and ovarian cancer; BRCA1- and BRCA2-Associated Hereditary Breast and Ovarian Cancer. Identifiers: Orphanet 145, MedGen C0677776, MeSH D061325, MONDO:0003582. Disease mechanism: loss of function.

Submission:

Labcorp Genetics (formerly Invitae), Labcorp
Classification: Uncertain significance for Hereditary breast ovarian cancer syndrome. Last evaluated: 2023-09-17. Review status: criteria provided, single submitter. Criteria: Invitae Variant Classification Sherloc (09022015). Collection method: clinical testing. Allele origin: germline.
Comment: In summary, the available evidence is currently insufficient to determine the role of this variant in disease. Therefore, it has been classified as a Variant of Uncertain Significance. Advanced modeling of protein sequence and biophysical properties (such as structural, functional, and spatial information, amino acid conservation, physicochemical variation, residue mobility, and thermodynamic stability) performed at Invitae indicates that this missense variant is not expected to disrupt BRCA1 protein function. This variant has not been reported in the literature in individuals affected with BRCA1-related conditions. This variant is not present in population databases (gnomAD no frequency). This sequence change replaces aspartic acid, which is acidic and polar, with tyrosine, which is neutral and polar, at codon 1065 of the BRCA1 protein (p.Asp1065Tyr).

NM_007294.4(BRCA1):c.3193G>T (p.Asp1065Tyr)

Gene: BRCA1 (BRCA1 DNA repair associated; minus strand). Cytogenetic location: 17q21.31.
Variant type: single nucleotide variant.
Coding change: c.3193G>T on transcript NM_007294.4 (MANE Select); coding-DNA position 3193, G replaced by T.
Protein change: p.Asp1065Tyr; replaces aspartic acid 1065 with tyrosine.
Molecular consequence: missense variant. On other transcripts: intron variant (137).
Genome position (GRCh38, 1-based): chr17:43,092,338, C>A on the plus strand (G>T on the coding strand, the complement: BRCA1 is on the minus strand). VCF-style: chr17-43092338-C-A. GRCh37 (hg19) VCF-style: chr17-41244355-C-A.
Other names: c.2980G>T, p.Asp994Tyr (NM_001407571.1, NM_001407853.1, NM_001407894.1 and 9 more transcripts); c.3193G>T, p.Asp1065Tyr (NM_001407581.1, NM_001407582.1, NM_001407583.1 and 30 more transcripts); c.3190G>T, p.Asp1064Tyr (NM_001407587.1, NM_001407590.1, NM_001407591.1 and 22 more transcripts); c.3184G>T, p.Asp1062Tyr (NM_001407646.1, NM_001407647.1); c.3070G>T, p.Asp1024Tyr (NM_001407648.1, NM_001407664.1, NM_001407665.1 and 19 more transcripts); c.3067G>T, p.Asp1023Tyr (NM_001407649.1, NM_001407670.1, NM_001407671.1 and 11 more transcripts); c.3115G>T, p.Asp1039Tyr (NM_001407653.1, NM_001407654.1, NM_001407655.1 and 4 more transcripts); c.3112G>T, p.Asp1038Tyr (NM_001407659.1, NM_001407660.1, NM_001407661.1 and 1 more transcripts); and 41 more; short protein forms D1038Y, D1062Y, D1064Y, D954Y, D977Y, D995Y, D1039Y, D769Y.
Identifiers: ClinVar variation 2761260 (VCV002761260.3), dbSNP rs2154337637, ClinGen allele CA10595599.